The following is an entry in ClinVar:

ClinVar aggregate classification (germline): Uncertain significance (1 of 4 stars; one submission).

Submission:

Labcorp Genetics (formerly Invitae), Labcorp
Classification: Uncertain significance. Last evaluated: 2023-12-11. Review status: criteria provided, single submitter. Criteria: Invitae Variant Classification Sherloc (09022015). Collection method: clinical testing. Allele origin: germline.
Comment: This sequence change replaces aspartic acid, which is acidic and polar, with leucine, which is neutral and non-polar, at codon 1169 of the MYO7A protein (p.Asp1169Leu). Information on the frequency of this variant in the gnomAD database is not available, as this variant may be reported differently in the database. This variant has not been reported in the literature in individuals affected with MYO7A-related conditions. ClinVar contains an entry for this variant (Variation ID: 1506451). An algorithm developed to predict the effect of missense changes on protein structure and function (PolyPhen-2) suggests that this variant is likely to be disruptive. In summary, the available evidence is currently insufficient to determine the role of this variant in disease. Therefore, it has been classified as a Variant of Uncertain Significance.

NM_000260.4(MYO7A):c.3505_3506delinsCT (p.Asp1169Leu)

Gene: MYO7A (myosin VIIA; plus strand). Cytogenetic location: 11q13.5.
Variant type: Indel.
Coding change: c.3505_3506delinsCT on transcript NM_000260.4 (MANE Select); coding-DNA positions 3505 to 3506, GA replaced by CT.
Protein change: p.Asp1169Leu; replaces aspartic acid 1169 with leucine.
Molecular consequence: missense variant.
Genome position (GRCh38, 1-based): chr11:77,189,345-77,189,346, GA replaced by CT. VCF-style: chr11-77189345-GA-CT. GRCh37 (hg19) VCF-style: chr11-76900390-GA-CT.
Other names: c.3505_3506delinsCT, p.Asp1169Leu (NM_001127180.2); c.3472_3473delinsCT, p.Asp1158Leu (NM_001369365.1); short protein forms D1158L, D1169L.
Identifiers: ClinVar variation 1506451 (VCV001506451.8), dbSNP rs2135549265, ClinGen allele CA2573147732.